The following is an entry in ClinVar:

ClinVar aggregate classification (germline): Uncertain significance (1 of 4 stars; one submission).

Allele frequency attached by ClinVar (database versions not stated): gnomAD exomes below 0.00001.
gnomAD v4.1: 3 of 1,614,006 alleles (0.00019%); highest among the groups gnomAD compares: South Asian, 0.0011%; no homozygotes.

Submission:

Labcorp Genetics (formerly Invitae), Labcorp
Classification: Uncertain significance. Last evaluated: 2022-08-12. Review status: criteria provided, single submitter. Criteria: Invitae Variant Classification Sherloc (09022015). Collection method: clinical testing. Allele origin: germline.
Comment: Algorithms developed to predict the effect of missense changes on protein structure and function are either unavailable or do not agree on the potential impact of this missense change (SIFT: "Tolerated"; PolyPhen-2: "Possibly Damaging"; Align-GVGD: "Class C0"). This variant has not been reported in the literature in individuals affected with TBC1D20-related conditions. This variant is not present in population databases (gnomAD no frequency). This sequence change replaces asparagine, which is neutral and polar, with serine, which is neutral and polar, at codon 137 of the TBC1D20 protein (p.Asn137Ser). In summary, the available evidence is currently insufficient to determine the role of this variant in disease. Therefore, it has been classified as a Variant of Uncertain Significance.

NM_144628.4(TBC1D20):c.410A>G (p.Asn137Ser)

Gene: TBC1D20 (TBC1 domain family member 20; minus strand). Cytogenetic location: 20p13.
Variant type: single nucleotide variant.
Coding change: c.410A>G on transcript NM_144628.4 (MANE Select); coding-DNA position 410, A replaced by G.
Protein change: p.Asn137Ser; replaces asparagine 137 with serine.
Molecular consequence: missense variant. On other transcripts: non-coding transcript variant (1).
Genome position (GRCh38, 1-based): chr20:441,971, T>C on the plus strand (A>G on the coding strand, the complement: TBC1D20 is on the minus strand). VCF-style: chr20-441971-T-C. GRCh37 (hg19) VCF-style: chr20-422615-T-C.
Other names: short protein forms N137S.
Identifiers: ClinVar variation 1947296 (VCV001947296.5), dbSNP rs2514581320, ClinGen allele CA407947357.
Genomic context (GRCh38, chr20:441,971, plus strand): 5'-ACCACCAGCAGAAATGTGACCACAATGTCATGGTAGCCCTGGTAGTAGTGCAGCTGAGGG[T>C]TGCGCTCCAAGATGAGGAGGATGATGTCAATCAGTTCTTCCTGGAGCCCTTCTCTCTGTT-3'
Protein context (NP_653229.1, residues 127-147): IDIILLILER[Asn137Ser]PQLHYYQGYH